The following is an entry in ClinVar:

NM_017807.4(OSGEP):c.50del (p.Gly17fs)

Genes: OSGEP (O-sialoglycoprotein endopeptidase; minus strand), LOC107372315 (OSGEP/APEX1 bi-directional promoter region; plus strand). Cytogenetic location: 14q11.2.
Variant type: Deletion.
Coding change: c.50del on transcript NM_017807.4 (MANE Select); coding-DNA position 50, one base deleted (G; older notation c.50delG).
Protein change: p.Gly17fs; shifts the reading frame from glycine 17.
Molecular consequence: frameshift variant.
Genome position (GRCh38, 1-based): chr14:20,454,634, C deleted on the plus strand (G on the coding strand, the reverse complement: OSGEP is on the minus strand); the first of 3 consecutive C bases (chr14:20,454,634-20,454,636); deleting any one gives the same sequence. VCF-style (leftmost placement, unchanged base first): chr14-20454633-GC-G. GRCh37 (hg19) VCF-style: chr14-20922792-GC-G.
Other names: short protein forms G17fs.
Identifiers: ClinVar variation 2759802 (VCV002759802.3), dbSNP rs2501763022, ClinGen allele CA2575472131.

ClinVar aggregate classification (germline): Pathogenic (1 of 4 stars; one submission).

Submission:

Labcorp Genetics (formerly Invitae), Labcorp
Classification: Pathogenic. Last evaluated: 2025-06-09. Review status: criteria provided, single submitter. Criteria: Invitae Variant Classification Sherloc (09022015). Collection method: clinical testing. Allele origin: germline.
Comment: This sequence change creates a premature translational stop signal (p.Gly17Alafs*38) in the OSGEP gene. It is expected to result in an absent or disrupted protein product. Loss-of-function variants in OSGEP are known to be pathogenic (PMID: 28805828, 34666032). This variant is not present in population databases (gnomAD no frequency). This variant has not been reported in the literature in individuals affected with OSGEP-related conditions. ClinVar contains an entry for this variant (Variation ID: 2759802). For these reasons, this variant has been classified as Pathogenic.

Literature cited by the submitters: PubMed 28805828; PubMed 34666032.